The following is an entry in ClinVar:

NM_000038.6(APC):c.7687A>C (p.Thr2563Pro)

Gene: APC (APC regulator of Wnt signaling pathway; plus strand). Cytogenetic location: 5q22.2.
Variant type: single nucleotide variant.
Coding change: c.7687A>C on transcript NM_000038.6 (MANE Select); coding-DNA position 7687, A replaced by C.
Protein change: p.Thr2563Pro; replaces threonine 2563 with proline.
Molecular consequence: missense variant. On other transcripts: non-coding transcript variant (2).
Genome position (GRCh38, 1-based): chr5:112,843,281, A>C. VCF-style: chr5-112843281-A-C. GRCh37 (hg19) VCF-style: chr5-112178978-A-C.
Other names: c.7687A>C, p.Thr2563Pro (NM_001127510.3, NM_001354895.2, NM_001407450.1); c.7633A>C, p.Thr2545Pro (NM_001127511.3); c.7741A>C, p.Thr2581Pro (NM_001354896.2, NM_001407447.1, NM_001407448.1 and 1 more transcripts); c.7717A>C, p.Thr2573Pro (NM_001354897.2); c.7666A>C, p.Thr2556Pro (NM_001407451.1); c.7657A>C, p.Thr2553Pro (NM_001407452.1); c.7510A>C, p.Thr2504Pro (NM_001407453.1, NM_001354901.2); c.7438A>C, p.Thr2480Pro (NM_001407454.1, NM_001407455.1, NM_001407456.1 and 1 more transcripts); and 11 more; short protein forms T2179P, T2280P, T2472P, T2522P, T2538P, T2403P, T2462P, T2535P.
Identifiers: ClinVar variation 3304110 (VCV003304110.1).

ClinVar aggregate classification (germline): Uncertain significance (1 of 4 stars; one submission).

Conditions:
Hereditary cancer-predisposing syndrome. Also called: Tumor predisposition; Hereditary Cancer Syndrome; Hereditary neoplastic syndrome; Neoplastic Syndromes, Hereditary. Identifiers: Orphanet 140162, MedGen C0027672, MeSH D009386, MONDO:0015356.

Submission:

Ambry Genetics
Classification: Uncertain significance for Hereditary cancer-predisposing syndrome. Last evaluated: 2024-03-16. Review status: criteria provided, single submitter. Criteria: Ambry Variant Classification Scheme 2023. Collection method: clinical testing. Allele origin: germline.
Comment: The p.T2563P variant (also known as c.7687A>C), located in coding exon 15 of the APC gene, results from an A to C substitution at nucleotide position 7687. The threonine at codon 2563 is replaced by proline, an amino acid with highly similar properties. This amino acid position is conserved. In addition, in silico predictors for this gene do not accurately predict pathogenicity. Based on the available evidence, the clinical significance of this alteration remains unclear.